The following is an entry in ClinVar:

ClinVar aggregate classification (germline): Benign/Likely benign. Review status: criteria provided, multiple submitters, no conflicts (2 of 4 stars). 10 submissions from 10 submitters: Benign (2); Likely benign (7). 1 of the submissions does not count toward it. Last evaluated 2026-03-01.

Conditions:
17p11.2 microduplication syndrome (PTLS). Also called: CHROMOSOME 17p11.2 DUPLICATION SYNDROME; Potocki-Lupski syndrome; Duplication 17p11.2 syndrome; Potocki-Lupski syndrome (dup(17)(p11.2p11.2)). Identifiers: Orphanet 1713, MedGen C2931246, MONDO:0012574, OMIM 610883.
Nonpapillary renal cell carcinoma. Identifiers: Orphanet 422526, MedGen CN074294, MONDO:0007763, OMIM 144700.
Birt-Hogg-Dube syndrome. Also called: Birt Hogg Dubé syndrome. Identifiers: Orphanet 122, MedGen C0346010, MONDO:0800444.
Colorectal cancer. Also called: Malignant Colorectal Neoplasm; Colorectal cancer, somatic. Identifiers: MedGen C0346629, MONDO:0005575, OMIM 114500.
Familial spontaneous pneumothorax (PSP). Identifiers: Orphanet 2903, MedGen C1868193, MONDO:0008259, OMIM 173600.
FLCN-related disorder. Also called: FLCN-related condition.
Birt-Hogg-Dube syndrome 1 (BHD1). Also called: FIBROFOLLICULOMAS WITH TRICHODISCOMAS AND ACROCHORDONS. Identifiers: Orphanet 122, MedGen CN375946, MONDO:0800445, OMIM 135150.
Hereditary cancer-predisposing syndrome. Also called: Tumor predisposition; Neoplastic Syndromes, Hereditary; Hereditary Cancer Syndrome; Hereditary neoplastic syndrome. Identifiers: Orphanet 140162, MedGen C0027672, MeSH D009386, MONDO:0015356.

Allele frequency attached by ClinVar (database versions not stated): gnomAD 0.00017 and 0.00016; 1000 Genomes Project 0.00020; ExAC 0.00010; gnomAD exomes 0.00011; ESP Exome Variant Server 0.00015; 1000 Genomes Project 30x 0.00016; TOPMed 0.00016.
gnomAD v4.1: 225 of 1,613,664 alleles (0.014%); highest among the groups gnomAD compares: Non-Finnish European, 0.018%; no homozygotes.

Submissions (10):

CeGaT Center for Human Genetics Tuebingen
Classification: Likely benign. Last evaluated: 2026-03-01. Review status: criteria provided, single submitter. Criteria: CeGaT Center For Human Genetics Tuebingen Variant Classification Criteria Version 2. Collection method: clinical testing. Allele origin: germline. Affected: yes. Observed: 5 variant alleles.
Comment: FLCN: BP4, BP7

Labcorp Genetics (formerly Invitae), Labcorp
Classification: Likely benign for Birt-Hogg-Dube syndrome. Last evaluated: 2026-01-28. Review status: criteria provided, single submitter. Criteria: Invitae Variant Classification Sherloc (09022015). Collection method: clinical testing. Allele origin: germline.

Center for Genomic Medicine, Rigshospitalet, Copenhagen University Hospital
Classification: Likely benign. Last evaluated: 2025-03-04. Review status: criteria provided, single submitter. Criteria: ACMG Guidelines, 2015. Collection method: clinical testing. Allele origin: germline.

Myriad Genetics, Inc.
Classification: Benign for Birt-Hogg-Dube syndrome 1. Last evaluated: 2024-10-24. Review status: criteria provided, single submitter. Criteria: Myriad Autosomal Dominant, Autosomal Recessive and X-Linked Classification Criteria (2023). Collection method: clinical testing. Allele origin: unknown.
Comment: This variant is considered benign. This variant is a silent/synonymous amino acid change and it is not expected to impact splicing.

ARUP Laboratories, Molecular Genetics and Genomics, ARUP Laboratories
Classification: Benign. Last evaluated: 2023-08-23. Review status: criteria provided, single submitter. Criteria: ARUP Molecular Germline Variant Investigation Process 2024. Collection method: clinical testing. Allele origin: germline.

Fulgent Genetics
Classification: Likely benign for Colorectal cancer; Birt-Hogg-Dube syndrome 1; Nonpapillary renal cell carcinoma; Familial spontaneous pneumothorax; 17p11.2 microduplication syndrome. Last evaluated: 2022-04-20. Review status: criteria provided, single submitter. Criteria: ACMG Guidelines, 2015. Collection method: clinical testing. Allele origin: unknown.

Sema4
Classification: Likely benign for Hereditary cancer-predisposing syndrome. Last evaluated: 2021-08-24. Review status: criteria provided, single submitter. Criteria: Sema4 Curation Guidelines. Collection method: curation. Allele origin: germline.

GeneDx
Classification: Likely benign. Last evaluated: 2020-10-30. Review status: criteria provided, single submitter. Criteria: GeneDx Variant Classification Process June 2021. Collection method: clinical testing. Allele origin: germline. Affected: yes.
Comment: This variant is associated with the following publications: (PMID: 27734835, 21937013, 19116017, 19562744)

Ambry Genetics
Classification: Likely benign for Hereditary cancer-predisposing syndrome. Last evaluated: 2014-11-24. Review status: criteria provided, single submitter. Criteria: Ambry Variant Classification Scheme 2023. Collection method: clinical testing. Allele origin: germline.

PreventionGenetics, part of Exact Sciences
Classification: Likely benign for FLCN-related condition. Last evaluated: 2024-01-25. Review status: no assertion criteria provided. Collection method: clinical testing. Allele origin: germline. Not counted in ClinVar's aggregate classification.
Comment: This variant is classified as likely benign based on ACMG/AMP sequence variant interpretation guidelines (Richards et al. 2015 PMID: 25741868, with internal and published modifications).

Literature cited by the submitters: PubMed 27734835 (cited by Center for Genomic Medicine, Rigshospitalet, Copenhagen University Hospital).

NM_144997.7(FLCN):c.1278C>T (p.Ile426=)

Gene: FLCN (folliculin; minus strand). Cytogenetic location: 17p11.2.
Variant type: single nucleotide variant.
Coding change: c.1278C>T on transcript NM_144997.7 (MANE Select); coding-DNA position 1278, C replaced by T.
Protein change: p.Ile426=; no amino-acid change (isoleucine 426 retained).
Molecular consequence: synonymous variant.
Genome position (GRCh38, 1-based): chr17:17,216,402, G>A on the plus strand (C>T on the coding strand, the complement: FLCN is on the minus strand). VCF-style: chr17-17216402-G-A. GRCh37 (hg19) VCF-style: chr17-17119716-G-A.
Other names: c.1278C>T (LRG_325t1); c.1332C>T, p.Ile444= (NM_001353229.2); c.1278C>T, p.Ile426= (NM_001353230.2, NM_001353231.2).
Identifiers: ClinVar variation 184767 (VCV000184767.59), dbSNP rs41459448, ClinGen allele CA189994.